The following is an entry in ClinVar:

ClinVar aggregate classification (germline): Likely pathogenic (1 of 4 stars; one submission).

Submission:

GeneDx
Classification: Likely pathogenic. Last evaluated: 2016-03-03. Review status: criteria provided, single submitter. Criteria: GeneDx Variant Classification (06012015). Collection method: clinical testing. Allele origin: germline. Affected: yes.
Comment: A variant that is likely pathogenic has been identified in the MYCN gene. The Q451X variant has not been published as a pathogenic variant, nor has it been reported as a benign variant to our knowledge. The variant was not observed in approximately 6,500 individuals of European and African American ancestry in the NHLBI Exome Sequencing Project, indicating it is not a common benign variant in these populations. While Q451X results in the loss of the last 14 amino acids of the protein, it is unknown what effect this loss may have on N-Myc dimerization or function. The truncated residues, however, include the last 4 C-terminal amino acids of the critical leucine-zipper domain. No downstream truncating variants have been reported in the Human Gene Mutation Database nor seen at GeneDx (Stenson et al., 2014). Therefore, this variant is likely pathogenic; however, the possibility that it is benign cannot be excluded.

NM_005378.6(MYCN):c.1351C>T (p.Gln451Ter)

Gene: MYCN (MYCN proto-oncogene, bHLH transcription factor; plus strand). Cytogenetic location: 2p24.3.
Variant type: single nucleotide variant.
Coding change: c.1351C>T on transcript NM_005378.6 (MANE Select); coding-DNA position 1351, C replaced by T.
Protein change: p.Gln451Ter; replaces glutamine 451 with a stop codon.
Molecular consequence: nonsense. On other transcripts: 3 prime UTR variant (1).
Genome position (GRCh38, 1-based): chr2:15,946,053, C>T. VCF-style: chr2-15946053-C-T. GRCh37 (hg19) VCF-style: chr2-16086175-C-T.
Other names: c.1351C>T, p.Gln451Ter (NM_001293228.2); c.718C>T, p.Gln240Ter (NM_001293231.2); c.*1286C>T (NM_001293233.2); short protein forms Q451*, Q240*.
Identifiers: ClinVar variation 383746 (VCV000383746.2), dbSNP rs1057521724, ClinGen allele CA16603806.
Genomic context (GRCh38, chr2:15,946,053, plus strand): 5'-CACTCCCTCCAGGCCGAGGAGCACCAGCTTTTGCTGGAAAAGGAAAAATTGCAGGCAAGA[C>T]AGCAGCAGTTGCTAAAGAAAATTGAACACGCTCGGACTTGCTAGACGCTTCTCAAAACTG-3'